The following is an entry in ClinVar:

NM_020549.5(CHAT):c.1943T>C (p.Leu648Pro)

Gene: CHAT (choline O-acetyltransferase; plus strand). Cytogenetic location: 10q11.23.
Variant type: single nucleotide variant.
Coding change: c.1943T>C on transcript NM_020549.5 (MANE Select); coding-DNA position 1943, T replaced by C.
Protein change: p.Leu648Pro; replaces leucine 648 with proline.
Molecular consequence: missense variant.
Genome position (GRCh38, 1-based): chr10:49,662,748, T>C. VCF-style: chr10-49662748-T-C. GRCh37 (hg19) VCF-style: chr10-50870794-T-C.
Other names: c.1589T>C, p.Leu530Pro (NM_001142929.2, NM_001142934.2, NM_020984.4 and 2 more transcripts); c.1697T>C, p.Leu566Pro (NM_001142933.2); short protein forms L566P, L530P, L648P.
Identifiers: ClinVar variation 1494225 (VCV001494225.8), dbSNP rs1242281029, ClinGen allele CA376711698.
Genomic context (GRCh38, chr10:49,662,748, plus strand): 5'-GGGAGCTGGCCCGGGCCATGTGCAAGGAGCTGCCCGAGATGTTCATGGATGAAACCTACC[T>C]GATGAGCAACCGGTTTGTCCTCTCCACTAGCCAGGTACGGCCCCGTGCAGCTATCGCCCA-3'
Protein context (NP_065574.4, residues 638-658): LPEMFMDETY[Leu648Pro]MSNRFVLSTS

ClinVar aggregate classification (germline): Uncertain significance (1 of 4 stars; one submission).

Conditions:
Familial infantile myasthenia (CMS6). Also called: MYASTHENIC SYNDROME, PRESYNAPTIC, CONGENITAL, ASSOCIATED WITH EPISODIC APNEA; MYASTHENIC SYNDROME, CONGENITAL, 6, PRESYNAPTIC; Congenital myasthenic syndrome type 6. Identifiers: Orphanet 590, MedGen C0393929, MONDO:0009689, OMIM 254210.

Submission:

Labcorp Genetics (formerly Invitae), Labcorp
Classification: Uncertain significance for Familial infantile myasthenia. Last evaluated: 2022-06-13. Review status: criteria provided, single submitter. Criteria: Invitae Variant Classification Sherloc (09022015). Collection method: clinical testing. Allele origin: germline.
Comment: This variant has not been reported in the literature in individuals affected with CHAT-related conditions. In summary, the available evidence is currently insufficient to determine the role of this variant in disease. Therefore, it has been classified as a Variant of Uncertain Significance. Algorithms developed to predict the effect of missense changes on protein structure and function are either unavailable or do not agree on the potential impact of this missense change (SIFT: "Tolerated"; PolyPhen-2: "Probably Damaging"; Align-GVGD: "Class C0"). This variant is not present in population databases (gnomAD no frequency). This sequence change replaces leucine, which is neutral and non-polar, with proline, which is neutral and non-polar, at codon 648 of the CHAT protein (p.Leu648Pro).